The following is an entry in ClinVar:

NM_032444.4(SLX4):c.4255C>T (p.Pro1419Ser)

Gene: SLX4 (SLX4 structure-specific endonuclease subunit; minus strand). Cytogenetic location: 16p13.3.
Variant type: single nucleotide variant.
Coding change: c.4255C>T on transcript NM_032444.4 (MANE Select); coding-DNA position 4255, C replaced by T.
Protein change: p.Pro1419Ser; replaces proline 1419 with serine.
Molecular consequence: missense variant.
Genome position (GRCh38, 1-based): chr16:3,589,383, G>A on the plus strand (C>T on the coding strand, the complement: SLX4 is on the minus strand). VCF-style: chr16-3589383-G-A. GRCh37 (hg19) VCF-style: chr16-3639384-G-A.
Other names: short protein forms P1419S.
Identifiers: ClinVar variation 2891258 (VCV002891258.3), dbSNP rs1418422984, ClinGen allele CA394517930.

ClinVar aggregate classification (germline): Uncertain significance (1 of 4 stars; one submission).

Conditions:
Fanconi anemia (FA). Also called: Fanconi's anemia. Identifiers: Orphanet 84, MedGen C0015625, MeSH D005199, MONDO:0019391.

gnomAD v4.1: 1 of 1,593,012 alleles (0.000063%); no homozygotes.

Submission:

Labcorp Genetics (formerly Invitae), Labcorp
Classification: Uncertain significance for Fanconi anemia. Last evaluated: 2025-04-07. Review status: criteria provided, single submitter. Criteria: Invitae Variant Classification Sherloc (09022015). Collection method: clinical testing. Allele origin: germline.
Comment: This sequence change replaces proline, which is neutral and non-polar, with serine, which is neutral and polar, at codon 1419 of the SLX4 protein (p.Pro1419Ser). This variant is present in population databases (no rsID available, gnomAD 0.006%). This variant has not been reported in the literature in individuals affected with SLX4-related conditions. ClinVar contains an entry for this variant (Variation ID: 2891258). An algorithm developed to predict the effect of missense changes on protein structure and function (PolyPhen-2) suggests that this variant is likely to be disruptive. In summary, the available evidence is currently insufficient to determine the role of this variant in disease. Therefore, it has been classified as a Variant of Uncertain Significance.